The following is an entry in ClinVar:

NM_006005.3(WFS1):c.1468A>G (p.Thr490Ala)

Gene: WFS1 (wolframin ER transmembrane glycoprotein; plus strand). Cytogenetic location: 4p16.1.
Variant type: single nucleotide variant.
Coding change: c.1468A>G on transcript NM_006005.3 (MANE Select); coding-DNA position 1468, A replaced by G.
Protein change: p.Thr490Ala; replaces threonine 490 with alanine.
Molecular consequence: missense variant.
Genome position (GRCh38, 1-based): chr4:6,301,263, A>G. VCF-style: chr4-6301263-A-G. GRCh37 (hg19) VCF-style: chr4-6302990-A-G.
Other names: c.1468A>G, p.Thr490Ala (NM_001145853.1); short protein forms T490A.
Identifiers: ClinVar variation 505052 (VCV000505052.7), dbSNP rs1553878548, ClinGen allele CA356175084.

ClinVar aggregate classification (germline): Conflicting classifications of pathogenicity. Review status: criteria provided, conflicting classifications (1 of 4 stars). 3 submissions from 3 submitters: Uncertain significance (2); Likely benign (1). Last evaluated 2020-09-22.

Conditions:
Wolfram syndrome 1 (WFS1). Identifiers: Orphanet 3463, MedGen C4551693, MONDO:0009101, OMIM 222300.

Allele frequency attached by ClinVar (database versions not stated): gnomAD exomes below 0.00001.

Submissions (3):

Blueprint Genetics
Classification: Uncertain significance. Last evaluated: 2020-09-22. Review status: criteria provided, single submitter. Criteria: ACMG Guidelines, 2015. Collection method: clinical testing. Allele origin: germline.

Laboratory for Molecular Medicine, Mass General Brigham Personalized Medicine
Classification: Uncertain significance. Last evaluated: 2016-06-02. Review status: criteria provided, single submitter. Criteria: LMM Criteria. Collection method: clinical testing. Allele origin: germline. Observed: 2 variant alleles.
Comment: The p.Thr490Ala variant in WFS1 has not been previously reported in individuals with hearing loss or Wolfram syndrome, and it was absent from large population d atabases. Computational prediction tools and conservation analyses do not prov ide strong support for or against an impact to the protein. In summary, the clin ical significance of the p.Thr490Ala variant is uncertain.

Clinical Genomics, Uppaluri K&H Personalized Medicine Clinic
Classification: Likely benign for Wolfram syndrome 1. Review status: criteria provided, single submitter. Criteria: K & H Uppaluri Personalized Medicine Clinic Variant Classification & Assertion Criteria_Updated V.1. Collection method: research. Allele origin: unknown. Inheritance: Autosomal recessive inheritance.
Comment: Potent mutations in WFS1 gene are associated with Wolfram's syndrome, an autosomal recessive condition, which cause diabetes mellitus, diabetes insipidus, deafness and optic atrophy. However no sufficient evidence is found to ascertain the role of this particular variant rs1553878548 in Wolfram's syndrome yet.

Literature cited by the submitters: PubMed 20738327 (cited by Clinical Genomics, Uppaluri K&H Personalized Medicine Clinic); PubMed 33879153 (cited by Clinical Genomics, Uppaluri K&H Personalized Medicine Clinic); PubMed 12955714 (cited by Clinical Genomics, Uppaluri K&H Personalized Medicine Clinic); PubMed 18060660 (cited by Clinical Genomics, Uppaluri K&H Personalized Medicine Clinic); PubMed 20301750 (cited by Clinical Genomics, Uppaluri K&H Personalized Medicine Clinic); PubMed 17603484 (cited by Clinical Genomics, Uppaluri K&H Personalized Medicine Clinic).